The following is an entry in ClinVar:

ClinVar aggregate classification (germline): Uncertain significance (1 of 4 stars; one submission).

Conditions:
Neuropathy, hereditary sensory and autonomic, type 2A (HSAN2A). Also called: ACROOSTEOLYSIS, GIACCAI TYPE; ACROOSTEOLYSIS, NEUROGENIC; MORVAN DISEASE; NEUROPATHY, CONGENITAL SENSORY; NEUROPATHY, HEREDITARY SENSORY RADICULAR, AUTOSOMAL RECESSIVE; NEUROPATHY, HEREDITARY SENSORY, TYPE IIA. Identifiers: Orphanet 970, MedGen C2752089, MONDO:0024309, OMIM 201300.
Generalized epilepsy with febrile seizures plus, type 7 (GEFSP7). Also called: GEFS+, TYPE 7. Identifiers: Orphanet 36387, MedGen C2751778, MONDO:0013470, OMIM 613863.

Submission:

Labcorp Genetics (formerly Invitae), Labcorp
Classification: Uncertain significance for Neuropathy, hereditary sensory and autonomic, type 2A; Generalized epilepsy with febrile seizures plus, type 7. Last evaluated: 2023-04-02. Review status: criteria provided, single submitter. Criteria: Invitae Variant Classification Sherloc (09022015). Collection method: clinical testing. Allele origin: germline.
Comment: Advanced modeling of protein sequence and biophysical properties (such as structural, functional, and spatial information, amino acid conservation, physicochemical variation, residue mobility, and thermodynamic stability) performed at Invitae indicates that this missense variant is not expected to disrupt SCN9A protein function. In summary, the available evidence is currently insufficient to determine the role of this variant in disease. Therefore, it has been classified as a Variant of Uncertain Significance. This sequence change replaces phenylalanine, which is neutral and non-polar, with serine, which is neutral and polar, at codon 728 of the SCN9A protein (p.Phe728Ser). This variant is not present in population databases (gnomAD no frequency). This variant has not been reported in the literature in individuals affected with SCN9A-related conditions.

NM_001365536.1(SCN9A):c.2216T>C (p.Phe739Ser)

Genes: SCN9A (sodium voltage-gated channel alpha subunit 9; minus strand), SCN1A-AS1 (SCN1A and SCN9A antisense RNA 1; plus strand). Cytogenetic location: 2q24.3.
Variant type: single nucleotide variant.
Coding change: c.2216T>C on transcript NM_001365536.1 (MANE Select); coding-DNA position 2216, T replaced by C.
Protein change: p.Phe739Ser; replaces phenylalanine 739 with serine.
Molecular consequence: missense variant.
Genome position (GRCh38, 1-based): chr2:166,280,484, A>G on the plus strand (T>C on the coding strand, the complement: SCN9A is on the minus strand). VCF-style: chr2-166280484-A-G. GRCh37 (hg19) VCF-style: chr2-167136994-A-G.
Other names: c.2183T>C, p.Phe728Ser (NM_002977.4); short protein forms F728S, F739S.
Identifiers: ClinVar variation 2941337 (VCV002941337.3), dbSNP rs1420423545, ClinGen allele CA349079703.